The following is an entry in ClinVar:

NM_014804.3(KIAA0753):c.2318C>G (p.Pro773Arg)

Gene: KIAA0753 (KIAA0753; minus strand). Cytogenetic location: 17p13.1.
Variant type: single nucleotide variant.
Coding change: c.2318C>G on transcript NM_014804.3 (MANE Select); coding-DNA position 2318, C replaced by G.
Protein change: p.Pro773Arg; replaces proline 773 with arginine.
Molecular consequence: missense variant. On other transcripts: non-coding transcript variant (3).
Genome position (GRCh38, 1-based): chr17:6,596,198, G>C on the plus strand (C>G on the coding strand, the complement: KIAA0753 is on the minus strand). VCF-style: chr17-6596198-G-C. GRCh37 (hg19) VCF-style: chr17-6499518-G-C.
Other names: c.1421C>G, p.Pro474Arg (NM_001351225.2); short protein forms P773R, P474R.
Identifiers: ClinVar variation 4622872 (VCV004622872.2).
Genomic context (GRCh38, chr17:6,596,198, plus strand): 5'-CCCGGAGCCCCAGACCTTACTTCCATCTCTTCCATTCGGCGCATCATGATCTCCAGATCT[G>C]GGCTATCCTTGCTGTCCTCAACGGTGGCTAAGGTTTCAGACCCCAAGATCTTAGCATGAG-3'
Protein context (NP_055619.2, residues 763-783): LATVEDSKDS[Pro773Arg]DLEIMMRRME

ClinVar aggregate classification (germline): Uncertain significance. Review status: criteria provided, multiple submitters, no conflicts (2 of 4 stars). 2 submissions from 2 submitters: Uncertain significance (2). Last evaluated 2025-11-20.

Conditions:
Inborn genetic diseases. Identifiers: MedGen C0950123, MeSH D030342.

gnomAD v4.1: 20 of 1,613,746 alleles (0.0012%); highest among the groups gnomAD compares: African/African-American, 0.0027%; no homozygotes.

Submissions (2):

Ambry Genetics
Classification: Uncertain significance for Inborn genetic diseases. Last evaluated: 2025-11-20. Review status: criteria provided, single submitter. Criteria: Ambry Variant Classification Scheme 2023. Collection method: clinical testing. Allele origin: germline.

Labcorp Genetics (formerly Invitae), Labcorp
Classification: Uncertain significance. Last evaluated: 2025-08-30. Review status: criteria provided, single submitter. Criteria: Invitae Variant Classification Sherloc (09022015). Collection method: clinical testing. Allele origin: germline.
Comment: This sequence change replaces proline, which is neutral and non-polar, with arginine, which is basic and polar, at codon 773 of the KIAA0753 protein (p.Pro773Arg). This variant is present in population databases (no rsID available, gnomAD 0.008%). This variant has not been reported in the literature in individuals affected with KIAA0753-related conditions. An algorithm developed to predict the effect of missense changes on protein structure and function (PolyPhen-2) suggests that this variant is likely to be disruptive. In summary, the available evidence is currently insufficient to determine the role of this variant in disease. Therefore, it has been classified as a Variant of Uncertain Significance.